The following is an entry in ClinVar:

ClinVar aggregate classification (germline): Uncertain significance (1 of 4 stars; one submission).

Conditions:
Oligodontia-cancer predisposition syndrome. Also called: TOOTH AGENESIS-COLORECTAL CANCER SYNDROME. Identifiers: Orphanet 300576, MedGen C1837750, MONDO:0012075, OMIM 608615. Disease mechanism: loss of function.

Submission:

Labcorp Genetics (formerly Invitae), Labcorp
Classification: Uncertain significance for Oligodontia-cancer predisposition syndrome. Last evaluated: 2022-07-19. Review status: criteria provided, single submitter. Criteria: Invitae Variant Classification Sherloc (09022015). Collection method: clinical testing. Allele origin: germline.
Comment: In summary, the available evidence is currently insufficient to determine the role of this variant in disease. Therefore, it has been classified as a Variant of Uncertain Significance. Algorithms developed to predict the effect of missense changes on protein structure and function (SIFT, PolyPhen-2, Align-GVGD) all suggest that this variant is likely to be tolerated. ClinVar contains an entry for this variant (Variation ID: 950381). This variant has not been reported in the literature in individuals affected with AXIN2-related conditions. This variant is not present in population databases (gnomAD no frequency). This sequence change replaces serine, which is neutral and polar, with arginine, which is basic and polar, at codon 252 of the AXIN2 protein (p.Ser252Arg).

NM_004655.4(AXIN2):c.756C>G (p.Ser252Arg)

Gene: AXIN2 (axin 2; minus strand). Cytogenetic location: 17q24.1.
Variant type: single nucleotide variant.
Coding change: c.756C>G on transcript NM_004655.4 (MANE Select); coding-DNA position 756, C replaced by G.
Protein change: p.Ser252Arg; replaces serine 252 with arginine.
Molecular consequence: missense variant.
Genome position (GRCh38, 1-based): chr17:65,557,865, G>C on the plus strand (C>G on the coding strand, the complement: AXIN2 is on the minus strand). VCF-style: chr17-65557865-G-C. GRCh37 (hg19) VCF-style: chr17-63553983-G-C.
Other names: c.756C>G, p.Ser252Arg (NM_001363813.1); short protein forms S252R.
Identifiers: ClinVar variation 950381 (VCV000950381.9), dbSNP rs2044293282, ClinGen allele CA400680341.